The following is an entry in ClinVar:

NM_004380.3(CREBBP):c.2914G>T (p.Val972Phe)

Gene: CREBBP (CREB binding protein; minus strand). Cytogenetic location: 16p13.3.
Variant type: single nucleotide variant.
Coding change: c.2914G>T on transcript NM_004380.3 (MANE Select); coding-DNA position 2914, G replaced by T.
Protein change: p.Val972Phe; replaces valine 972 with phenylalanine.
Molecular consequence: missense variant.
Genome position (GRCh38, 1-based): chr16:3,769,320, C>A on the plus strand (G>T on the coding strand, the complement: CREBBP is on the minus strand). VCF-style: chr16-3769320-C-A. GRCh37 (hg19) VCF-style: chr16-3819321-C-A.
Other names: c.2800G>T, p.Val934Phe (NM_001079846.1); short protein forms V934F, V972F.
Identifiers: ClinVar variation 1311649 (VCV001311649.2), dbSNP rs2141192477, ClinGen allele CA394549870.

ClinVar aggregate classification (germline): Uncertain significance (1 of 4 stars; one submission).

Submission:

GeneDx
Classification: Uncertain significance. Last evaluated: 2019-12-30. Review status: criteria provided, single submitter. Criteria: GeneDx Variant Classification Process June 2021. Collection method: clinical testing. Allele origin: germline. Affected: yes.
Comment: Not observed in large population cohorts (Lek et al., 2016); In silico analysis, which includes protein predictors and evolutionary conservation, supports a deleterious effect; Has not been previously published as pathogenic or benign to our knowledge